The following is an entry in ClinVar:

ClinVar aggregate classification (germline): Uncertain significance (1 of 4 stars; one submission).

Conditions:
Nemaline myopathy 2 (NEM2). Also called: Nemaline myopathy 2, autosomal recessive. Identifiers: MedGen C1850569, MONDO:0009725, OMIM 256030.

Submission:

Labcorp Genetics (formerly Invitae), Labcorp
Classification: Uncertain significance for Nemaline myopathy 2. Last evaluated: 2022-02-23. Review status: criteria provided, single submitter. Criteria: Invitae Variant Classification Sherloc (09022015). Collection method: clinical testing. Allele origin: germline.
Comment: This sequence change replaces leucine, which is neutral and non-polar, with arginine, which is basic and polar, at codon 52 of the NEB protein (p.Leu52Arg). This variant is not present in population databases (gnomAD no frequency). This variant has not been reported in the literature in individuals affected with NEB-related conditions. Algorithms developed to predict the effect of missense changes on protein structure and function are either unavailable or do not agree on the potential impact of this missense change (SIFT: "Deleterious"; PolyPhen-2: "Not Available"; Align-GVGD: "Class C0"). In summary, the available evidence is currently insufficient to determine the role of this variant in disease. Therefore, it has been classified as a Variant of Uncertain Significance.

NM_001164508.2(NEB):c.155T>G (p.Leu52Arg)

Gene: NEB (nebulin; minus strand). Cytogenetic location: 2q23.3.
Variant type: single nucleotide variant.
Coding change: c.155T>G on transcript NM_001164508.2 (MANE Select); coding-DNA position 155, T replaced by G.
Protein change: p.Leu52Arg; replaces leucine 52 with arginine.
Molecular consequence: missense variant.
Genome position (GRCh38, 1-based): chr2:151,727,830, A>C on the plus strand (T>G on the coding strand, the complement: NEB is on the minus strand). VCF-style: chr2-151727830-A-C. GRCh37 (hg19) VCF-style: chr2-152584344-A-C.
Other names: c.155T>G, p.Leu52Arg (NM_001164507.2, NM_001271208.2, NM_004543.5); short protein forms L52R.
Identifiers: ClinVar variation 2102532 (VCV002102532.1), dbSNP rs1349463332, ClinGen allele CA348795434.